The following is an entry in ClinVar:

NM_000318.3(PEX2):c.604G>C (p.Glu202Gln)

Gene: PEX2 (peroxisomal biogenesis factor 2; minus strand). Cytogenetic location: 8q21.13.
Variant type: single nucleotide variant.
Coding change: c.604G>C on transcript NM_000318.3 (MANE Select); coding-DNA position 604, G replaced by C.
Protein change: p.Glu202Gln; replaces glutamic acid 202 with glutamine.
Molecular consequence: missense variant.
Genome position (GRCh38, 1-based): chr8:76,983,575, C>G on the plus strand (G>C on the coding strand, the complement: PEX2 is on the minus strand). VCF-style: chr8-76983575-C-G. GRCh37 (hg19) VCF-style: chr8-77895811-C-G.
Other names: c.604G>C, p.Glu202Gln (NM_001079867.2, NM_001172086.2, NM_001172087.2); short protein forms E202Q.
Identifiers: ClinVar variation 1714368 (VCV001714368.5), dbSNP rs2487451255, ClinGen allele CA371556977.

ClinVar aggregate classification (germline): Uncertain significance (1 of 4 stars; one submission).

Conditions:
Peroxisome biogenesis disorder 5A (Zellweger) (PBD5A). Identifiers: Orphanet 912, MedGen C3553940, MONDO:0013932, OMIM 614866.

Allele frequency attached by ClinVar (database versions not stated): gnomAD exomes below 0.00001.
gnomAD v4.1: 1 of 1,614,108 alleles (0.000062%); highest among the groups gnomAD compares: Non-Finnish European, 0.000085%; no homozygotes.

Submission:

Labcorp Genetics (formerly Invitae), Labcorp
Classification: Uncertain significance for Peroxisome biogenesis disorder 5A (Zellweger). Last evaluated: 2022-08-08. Review status: criteria provided, single submitter. Criteria: Invitae Variant Classification Sherloc (09022015). Collection method: clinical testing. Allele origin: germline.
Comment: In summary, the available evidence is currently insufficient to determine the role of this variant in disease. Therefore, it has been classified as a Variant of Uncertain Significance. This sequence change replaces glutamic acid, which is acidic and polar, with glutamine, which is neutral and polar, at codon 202 of the PEX2 protein (p.Glu202Gln). This variant is not present in population databases (gnomAD no frequency). This variant has not been reported in the literature in individuals affected with PEX2-related conditions. Algorithms developed to predict the effect of missense changes on protein structure and function are either unavailable or do not agree on the potential impact of this missense change (SIFT: "Deleterious"; PolyPhen-2: "Probably Damaging"; Align-GVGD: "Class C0").